The following is an entry in ClinVar:

ClinVar aggregate classification (germline): Likely benign. Review status: criteria provided, multiple submitters, no conflicts (2 of 4 stars). 3 submissions from 3 submitters: Likely benign (3). Last evaluated 2025-04-09.

gnomAD v4.1: 253 of 1,613,958 alleles (0.016%); highest among the groups gnomAD compares: Non-Finnish European, 0.02%; no homozygotes.

Submissions (3):

Mayo Clinic Laboratories, Mayo Clinic
Classification: Likely benign. Last evaluated: 2025-04-09. Review status: criteria provided, single submitter. Criteria: ACMG Guidelines, 2015. Collection method: clinical testing. Allele origin: germline. Observed: 1 variant allele.
Comment: BP4, BP7

Labcorp Genetics (formerly Invitae), Labcorp
Classification: Likely benign. Last evaluated: 2025-03-18. Review status: criteria provided, single submitter. Criteria: Invitae Variant Classification Sherloc (09022015). Collection method: clinical testing. Allele origin: germline.

Blueprint Genetics
Classification: Likely benign. Last evaluated: 2024-10-30. Review status: criteria provided, single submitter. Criteria: ACMG Guidelines, 2015. Collection method: clinical testing. Allele origin: germline.

NM_003126.4(SPTA1):c.5311-16C>T

Gene: SPTA1 (spectrin alpha, erythrocytic 1; minus strand). Cytogenetic location: 1q23.1.
Variant type: single nucleotide variant.
Coding change: c.5311-16C>T on transcript NM_003126.4 (MANE Select); 16 bases into the intron before coding-DNA position 5311, C replaced by T.
Molecular consequence: intron variant.
Genome position (GRCh38, 1-based): chr1:158,636,050, G>A on the plus strand (C>T on the coding strand, the complement: SPTA1 is on the minus strand). VCF-style: chr1-158636050-G-A. GRCh37 (hg19) VCF-style: chr1-158605840-G-A.
Other names: p.?.
Identifiers: ClinVar variation 3605668 (VCV003605668.4).